The following is an entry in ClinVar:

NM_001370298.3(FGD4):c.1612A>C (p.Lys538Gln)

Gene: FGD4 (FYVE, RhoGEF and PH domain containing 4; plus strand). Cytogenetic location: 12p11.21.
Variant type: single nucleotide variant.
Coding change: c.1612A>C on transcript NM_001370298.3 (MANE Select); coding-DNA position 1612, A replaced by C.
Protein change: p.Lys538Gln; replaces lysine 538 with glutamine.
Molecular consequence: missense variant.
Genome position (GRCh38, 1-based): chr12:32,611,146, A>C. VCF-style: chr12-32611146-A-C. GRCh37 (hg19) VCF-style: chr12-32764080-A-C.
Other names: c.1456A>C, p.Lys486Gln (NM_001304481.2); c.457A>C, p.Lys153Gln (NM_001304483.2); c.169A>C, p.Lys57Gln (NM_001304484.2); c.922A>C, p.Lys308Gln (NM_001330373.2, NM_001330374.2, NM_001384130.1); c.649A>C, p.Lys217Gln (NM_001370297.1); c.1612A>C, p.Lys538Gln (NM_001384126.1); c.1201A>C, p.Lys401Gln (NM_001384127.1, NM_001384128.1, NM_001385118.1 and 1 more transcripts); short protein forms K153Q, K308Q, K538Q, K401Q, K486Q, K57Q, K217Q.
Identifiers: ClinVar variation 1355979 (VCV001355979.10), dbSNP rs749692745, ClinGen allele CA6506847.

ClinVar aggregate classification (germline): Uncertain significance. Review status: criteria provided, multiple submitters, no conflicts (2 of 4 stars). 2 submissions from 2 submitters: Uncertain significance (2). Last evaluated 2023-03-10.

Conditions:
Charcot-Marie-Tooth disease type 4. Also called: Charcot-Marie-Tooth disease, type IV; Charcot-Marie-Tooth, Type 4. Identifiers: Orphanet 64749, MedGen C4082197, MONDO:0018995.
Charcot-Marie-Tooth disease type 4H (CMT4H). Also called: CHARCOT-MARIE-TOOTH DISEASE, DEMYELINATING, TYPE 4H; CHARCOT-MARIE-TOOTH DISEASE, AUTOSOMAL RECESSIVE, TYPE 4H; CHARCOT-MARIE-TOOTH DISEASE, DEMYELINATING, AUTOSOMAL RECESSIVE, TYPE 4H; CHARCOT-MARIE-TOOTH NEUROPATHY, TYPE 4H. Identifiers: Orphanet 99954, MedGen C1836336, MONDO:0012250, OMIM 609311.

Allele frequency attached by ClinVar (database versions not stated): gnomAD exomes 0.00001 and 0.00002; ExAC 0.00002; TOPMed 0.00002.
gnomAD v4.1: 17 of 1,614,160 alleles (0.0011%); highest among the groups gnomAD compares: Non-Finnish European, 0.0013%; no homozygotes.

Submissions (2):

Revvity Omics, Revvity
Classification: Uncertain significance for Charcot-Marie-Tooth disease type 4H. Last evaluated: 2023-03-10. Review status: criteria provided, single submitter. Criteria: ACMG Guidelines, 2015. Collection method: clinical testing. Allele origin: germline.

Labcorp Genetics (formerly Invitae), Labcorp
Classification: Uncertain significance for Charcot-Marie-Tooth disease type 4. Last evaluated: 2022-05-20. Review status: criteria provided, single submitter. Criteria: Invitae Variant Classification Sherloc (09022015). Collection method: clinical testing. Allele origin: germline.
Comment: In summary, the available evidence is currently insufficient to determine the role of this variant in disease. Therefore, it has been classified as a Variant of Uncertain Significance. Algorithms developed to predict the effect of missense changes on protein structure and function are either unavailable or do not agree on the potential impact of this missense change (SIFT: "Deleterious"; PolyPhen-2: "Not Available"; Align-GVGD: "Class C45"). This variant has not been reported in the literature in individuals affected with FGD4-related conditions. This variant is present in population databases (rs749692745, gnomAD 0.004%). This sequence change replaces lysine, which is basic and polar, with glutamine, which is neutral and polar, at codon 401 of the FGD4 protein (p.Lys401Gln).